The following is an entry in ClinVar:

NM_004369.4(COL6A3):c.7423A>T (p.Asn2475Tyr)

Gene: COL6A3 (collagen type VI alpha 3 chain; minus strand). Cytogenetic location: 2q37.3.
Variant type: single nucleotide variant.
Coding change: c.7423A>T on transcript NM_004369.4 (MANE Select); coding-DNA position 7423, A replaced by T.
Protein change: p.Asn2475Tyr; replaces asparagine 2475 with tyrosine.
Molecular consequence: missense variant.
Genome position (GRCh38, 1-based): chr2:237,344,595, T>A on the plus strand (A>T on the coding strand, the complement: COL6A3 is on the minus strand). VCF-style: chr2-237344595-T-A. GRCh37 (hg19) VCF-style: chr2-238253238-T-A.
Other names: c.5602A>T, p.Asn1868Tyr (NM_057166.5); c.6805A>T, p.Asn2269Tyr (NM_057167.4); short protein forms N1868Y, N2475Y, N2269Y.
Identifiers: ClinVar variation 3665034 (VCV003665034.2).
Genomic context (GRCh38, chr2:237,344,595, plus strand): 5'-CCACAAACGACATGGCAGTCTCCAGACTCTGCTGTTTGGATGTCAGAGCCACCTGAAGGT[T>A]CTTAATCTTGTCCAGGAGGACCGACTTCCTCTTGGAGTCAGCAAACCGGATCTCCGTGGT-3'
Protein context (NP_004360.2, residues 2465-2485): RKSVLLDKIK[Asn2475Tyr]LQVALTSKQQ

ClinVar aggregate classification (germline): Uncertain significance (1 of 4 stars; one submission).

Conditions:
Bethlem myopathy 1A. Also called: MYOPATHY, BENIGN CONGENITAL, WITH CONTRACTURES; Bethlem myopathy 1; Bethlem Muscular Dystrophy. Identifiers: Orphanet 610, MedGen CN029274, MONDO:0024530, OMIM 158810.

gnomAD v4.1: 25 of 1,614,100 alleles (0.0015%); highest among the groups gnomAD compares: Non-Finnish European, 0.0019%; no homozygotes.

Submission:

Labcorp Genetics (formerly Invitae), Labcorp
Classification: Uncertain significance for Bethlem myopathy 1A. Last evaluated: 2025-03-31. Review status: criteria provided, single submitter. Criteria: Invitae Variant Classification Sherloc (09022015). Collection method: clinical testing. Allele origin: germline.
Comment: This sequence change replaces asparagine, which is neutral and polar, with tyrosine, which is neutral and polar, at codon 2475 of the COL6A3 protein (p.Asn2475Tyr). This variant is present in population databases (rs373432044, gnomAD 0.002%). This variant has not been reported in the literature in individuals affected with COL6A3-related conditions. Invitae Evidence Modeling of protein sequence and biophysical properties (such as structural, functional, and spatial information, amino acid conservation, physicochemical variation, residue mobility, and thermodynamic stability) indicates that this missense variant is expected to disrupt COL6A3 protein function with a positive predictive value of 80%. In summary, the available evidence is currently insufficient to determine the role of this variant in disease. Therefore, it has been classified as a Variant of Uncertain Significance.